The following is an entry in ClinVar:

NM_017780.4(CHD7):c.8414G>T (p.Gly2805Val)

Gene: CHD7 (chromodomain helicase DNA binding protein 7; plus strand). Cytogenetic location: 8q12.2.
Variant type: single nucleotide variant.
Coding change: c.8414G>T on transcript NM_017780.4 (MANE Select); coding-DNA position 8414, G replaced by T.
Protein change: p.Gly2805Val; replaces glycine 2805 with valine.
Molecular consequence: missense variant.
Genome position (GRCh38, 1-based): chr8:60,865,353, G>T. VCF-style: chr8-60865353-G-T. GRCh37 (hg19) VCF-style: chr8-61777912-G-T.
Other names: c.2267G>T, p.Gly756Val (NM_001316690.1); short protein forms G756V, G2805V.
Identifiers: ClinVar variation 3675066 (VCV003675066.2).

ClinVar aggregate classification (germline): Uncertain significance (1 of 4 stars; one submission).

Conditions:
CHARGE syndrome (CHARGE). Also called: Hittner Hirsch Kreh syndrome; CHARGE ASSOCIATION--COLOBOMA, HEART ANOMALY, CHOANAL ATRESIA, RETARDATION, GENITAL AND EAR ANOMALIES; Coloboma, heart anomaly, choanal atresia, retardation, genital and ear anomalies; CHARGE association; Hall-Hittner syndrome. Identifiers: Orphanet 138, MedGen C0265354, MONDO:0008965.

Submission:

Labcorp Genetics (formerly Invitae), Labcorp
Classification: Uncertain significance for CHARGE syndrome. Last evaluated: 2024-08-08. Review status: criteria provided, single submitter. Criteria: Invitae Variant Classification Sherloc (09022015). Collection method: clinical testing. Allele origin: germline.
Comment: This sequence change replaces glycine, which is neutral and non-polar, with valine, which is neutral and non-polar, at codon 2805 of the CHD7 protein (p.Gly2805Val). This variant is not present in population databases (gnomAD no frequency). This variant has not been reported in the literature in individuals affected with CHD7-related conditions. Advanced modeling of protein sequence and biophysical properties (such as structural, functional, and spatial information, amino acid conservation, physicochemical variation, residue mobility, and thermodynamic stability) has been performed at Invitae for this missense variant, however the output from this modeling did not meet the statistical confidence thresholds required to predict the impact of this variant on CHD7 protein function. In summary, the available evidence is currently insufficient to determine the role of this variant in disease. Therefore, it has been classified as a Variant of Uncertain Significance.